The following is an entry in ClinVar:

ClinVar aggregate classification (germline): Uncertain significance (1 of 4 stars; one submission).

Conditions:
Charcot-Marie-Tooth disease type 4. Also called: Charcot-Marie-Tooth, Type 4; Charcot-Marie-Tooth disease, type IV. Identifiers: Orphanet 64749, MedGen C4082197, MONDO:0018995.

Allele frequency attached by ClinVar (database versions not stated): gnomAD exomes 0.00001; ExAC 0.00001.
gnomAD v4.1: 8 of 1,614,202 alleles (0.0005%); highest among the groups gnomAD compares: South Asian, 0.0055%; no homozygotes.

Submission:

Labcorp Genetics (formerly Invitae), Labcorp
Classification: Uncertain significance for Charcot-Marie-Tooth disease type 4. Last evaluated: 2021-09-17. Review status: criteria provided, single submitter. Criteria: Invitae Variant Classification Sherloc (09022015). Collection method: clinical testing. Allele origin: germline.
Comment: This sequence change replaces alanine with valine at codon 287 of the NDRG1 protein (p.Ala287Val). The alanine residue is moderately conserved and there is a small physicochemical difference between alanine and valine. This variant is present in population databases (rs761760894, ExAC 0.006%). This variant has not been reported in the literature in individuals with NDRG1-related conditions. Algorithms developed to predict the effect of missense changes on protein structure and function are either unavailable or do not agree on the potential impact of this missense change (SIFT: "Tolerated"; PolyPhen-2: "Possibly Damaging"; Align-GVGD: "Class C0"). In summary, the available evidence is currently insufficient to determine the role of this variant in disease. Therefore, it has been classified as a Variant of Uncertain Significance.

NM_006096.4(NDRG1):c.860C>T (p.Ala287Val)

Gene: NDRG1 (N-myc downstream regulated 1; minus strand). Cytogenetic location: 8q24.22.
Variant type: single nucleotide variant.
Coding change: c.860C>T on transcript NM_006096.4 (MANE Select); coding-DNA position 860, C replaced by T.
Protein change: p.Ala287Val; replaces alanine 287 with valine.
Molecular consequence: missense variant.
Genome position (GRCh38, 1-based): chr8:133,244,386, G>A on the plus strand (C>T on the coding strand, the complement: NDRG1 is on the minus strand). VCF-style: chr8-133244386-G-A. GRCh37 (hg19) VCF-style: chr8-134256629-G-A.
Other names: c.860C>T, p.Ala287Val (NM_001135242.2, NM_001374845.1, NM_001374846.1); c.662C>T, p.Ala221Val (NM_001258432.2, NM_001374847.1); c.617C>T, p.Ala206Val (NM_001258433.2); c.911C>T, p.Ala304Val (NM_001374844.1); short protein forms A304V, A206V, A221V, A287V.
Identifiers: ClinVar variation 1522582 (VCV001522582.5), dbSNP rs761760894, ClinGen allele CA4886524.